The following is an entry in ClinVar:

NP_000531.2:p.4894Q

Variant type: Variation.
Identifiers: ClinVar variation 65922 (VCV000065922.2).

ClinVar aggregate classification (germline): Pathogenic (0 of 4 stars; one submission).

Conditions:
Central core myopathy (CMYO1A). Also called: Central core disease; Myopathy, central fibrillar; CONGENITAL MYOPATHY 1A, AUTOSOMAL DOMINANT, WITH SUSCEPTIBILITY TO MALIGNANT HYPERTHERMIA. Identifiers: Orphanet 597, MedGen C5830701, MONDO:0007294, OMIM 117000.

Submission:

GeneReviews
Classification: Pathogenic for Central Core Disease. Last evaluated: 2010-05-11. Review status: no assertion criteria provided. Collection method: curation. Allele origin: unknown.
ClinVar note: Converted during submission from pathologic to Pathogenic.